The following is an entry in ClinVar:

NM_004132.5(HABP2):c.331+236A>G

Gene: HABP2 (hyaluronan binding protein 2; plus strand). Cytogenetic location: 10q25.3.
Variant type: single nucleotide variant.
Coding change: c.331+236A>G on transcript NM_004132.5 (MANE Select); 236 bases into the intron after coding-DNA position 331, A replaced by G.
Molecular consequence: intron variant.
Genome position (GRCh38, 1-based): chr10:113,576,240, A>G. VCF-style: chr10-113576240-A-G. GRCh37 (hg19) VCF-style: chr10-115335999-A-G.
Other names: NC_000010.10:g.115335999A>G; c.253+236A>G (NM_001177660.3).
Identifiers: ClinVar variation 1684095 (VCV001684095.3), dbSNP rs114206232, ClinGen allele CA214434207.
Genomic context (GRCh38, chr10:113,576,240, plus strand): 5'-CACTGTGAGATGGAACTAGTACATCCATTCTCCAGATGGGAAGATTGAGGCTGAGAGGGG[A>G]TAAGGGCTGGACTCTAACCAAGATATATCCCAAACTCAGGACTTTGTGCTTAGAGTTTAG-3'

ClinVar aggregate classification (germline): Likely benign (1 of 4 stars; one submission).

Allele frequency attached by ClinVar (database versions not stated): 1000 Genomes Project 0.00759; 1000 Genomes Project 30x 0.00921.
gnomAD v4.1: 1,104 of 152,266 alleles (0.73%); highest among the groups gnomAD compares: African/African-American, 2.5%; 10 homozygotes.

Submissions (2):

GeneDx
Classification: Likely benign. Last evaluated: 2021-05-26. Review status: criteria provided, single submitter. Criteria: GeneDx Variant Classification Process June 2021. Collection method: clinical testing. Allele origin: germline. Affected: yes.
Comment: See Variant Classification Assertion Criteria.

Dr. Peter K. Rogan Lab, Western University
No classification provided (evidence only). Condition: Uterine corpus endometrial carcinoma. Review status: no classification provided. Collection method: in vitro. Allele origin: not applicable. Functional consequence: retained intron. Not counted in ClinVar's aggregate classification.